The following is an entry in ClinVar:

NM_007294.4(BRCA1):c.5074+1618A>G

Gene: BRCA1 (BRCA1 DNA repair associated; minus strand). Cytogenetic location: 17q21.31.
Variant type: single nucleotide variant.
Coding change: c.5074+1618A>G on transcript NM_007294.4 (MANE Select); 1618 bases into the intron after coding-DNA position 5074, A replaced by G.
Molecular consequence: intron variant.
Genome position (GRCh38, 1-based): chr17:43,065,990, T>C on the plus strand (A>G on the coding strand, the complement: BRCA1 is on the minus strand). VCF-style: chr17-43065990-T-C. GRCh37 (hg19) VCF-style: chr17-41218007-T-C.
Other names: c.1621+1618A>G (NM_001408458.1, NM_001408461.1, NM_001408464.1 and 7 more transcripts); c.4183+1618A>G (NM_001407967.1); c.4693+1618A>G (NM_001407959.1); c.4807+1618A>G (NM_001407931.1, NM_001407932.1, NM_001407928.1 and 4 more transcripts); c.4930+1618A>G (NM_001407747.1, NM_001407745.1, NM_001407737.1 and 21 more transcripts); c.4690+1618A>G (NM_001407962.1, NM_001407960.1); c.1261+1618A>G (NM_001408512.1); c.1384+1618A>G (NM_001408510.1); and 71 more.
Identifiers: ClinVar variation 264815 (VCV000264815.2), dbSNP rs139038134, ClinGen allele CA10588201.

ClinVar aggregate classification (germline): Benign (3 of 4 stars; one submission).

Conditions:
Breast-ovarian cancer, familial, susceptibility to, 1 (BROVCA1). Also called: BRCA1 Hereditary Breast and Ovarian Cancer; OVARIAN CANCER, SUSCEPTIBILITY TO. Identifiers: Orphanet 145, MedGen C2676676, MONDO:0011450, OMIM 604370. Disease mechanism: loss of function.

Allele frequency attached by ClinVar (database versions not stated): gnomAD 0.00334 and 0.00344; TOPMed 0.00374; 1000 Genomes Project 0.00479; 1000 Genomes Project 30x 0.00531.
gnomAD v4.1: 508 of 152,362 alleles (0.33%); highest among the groups gnomAD compares: Middle Eastern, 1.7%; 1 homozygote.

Submission:

Evidence-based Network for the Interpretation of Germline Mutant Alleles (ENIGMA)
Classification: Benign for Breast-ovarian cancer, familial, susceptibility to, 1. Last evaluated: 2016-09-28. Review status: reviewed by expert panel. Criteria: ENIGMA BRCA1/2 Classification Criteria (2015). Collection method: curation. Allele origin: germline.
Comment: Class 1 not pathogenic based on frequency >1% in an outbred sampleset. Frequency 0.0174 (African), derived from 1000 genomes (2013-05-02).